The following is an entry in ClinVar:

NM_001282680.3(GAPVD1):c.4008A>G (p.Val1336=)

Gene: GAPVD1 (GTPase activating protein and VPS9 domains 1; plus strand). Cytogenetic location: 9q33.3.
Variant type: single nucleotide variant.
Coding change: c.4008A>G on transcript NM_001282680.3 (MANE Select); coding-DNA position 4008, A replaced by G.
Protein change: p.Val1336=; no amino-acid change (valine 1336 retained).
Molecular consequence: synonymous variant. On other transcripts: non-coding transcript variant (2).
Genome position (GRCh38, 1-based): chr9:125,359,456, A>G. VCF-style: chr9-125359456-A-G. GRCh37 (hg19) VCF-style: chr9-128121735-A-G.
Other names: NC_000009.11:g.128121735A>G; c.4062A>G, p.Val1354= (NM_001282679.2); c.3945A>G, p.Val1315= (NM_001282681.3, NM_001354297.2, NM_001354300.2); c.3864A>G, p.Val1288= (NM_001330777.3); c.3927A>G, p.Val1309= (NM_001330778.3); c.4008A>G, p.Val1336= (NM_001354294.2, NM_001354295.2, NM_001354296.2 and 3 more transcripts); c.4089A>G, p.Val1363= (NM_015635.4).
Identifiers: ClinVar variation 3039530 (VCV003039530.3), dbSNP rs140099938, ClinGen allele CA5240871.
Genomic context (GRCh38, chr9:125,359,456, plus strand): 5'-ATGTGTATTTTGGGGGGTTTTCAGGGTTCTTCATGAACATATCCAGAGATTGTCTAAAGT[A>G]GTGACTGCAAATCACAGAGCTCTTCAGATACCAGAGGTAATACAGGTTTATATAGCATGG-3'
Protein context (NP_001269609.1, residues 1326-1346): LHEHIQRLSK[Val1336=]VTANHRALQI

ClinVar aggregate classification (germline): Likely benign (0 of 4 stars; one submission).

Conditions:
GAPVD1-related disorder. Also called: GAPVD1-related condition.

Allele frequency attached by ClinVar (database versions not stated): gnomAD 0.00007; ESP Exome Variant Server 0.00008; ExAC 0.00014; TOPMed 0.00010.
gnomAD v4.1: 181 of 1,596,214 alleles (0.011%); highest among the groups gnomAD compares: Middle Eastern, 0.066%; 2 homozygotes.

Submissions (3):

PreventionGenetics, part of Exact Sciences
Classification: Likely benign for GAPVD1-related condition. Last evaluated: 2021-06-01. Review status: no assertion criteria provided. Collection method: clinical testing. Allele origin: germline.
Comment: This variant is classified as likely benign based on ACMG/AMP sequence variant interpretation guidelines (Richards et al. 2015 PMID: 25741868, with internal and published modifications).

Dr. Peter K. Rogan Lab, Western University
No classification provided (evidence only). Condition: Malignant tumor of urinary bladder. Review status: no classification provided. Collection method: in vitro. Allele origin: not applicable. Functional consequence: retained intron. Not counted in ClinVar's aggregate classification.

Dr. Peter K. Rogan Lab, Western University
No classification provided (evidence only). Condition: Malignant tumor of urinary bladder. Review status: no classification provided. Collection method: in vitro. Allele origin: not applicable. Functional consequence: retained intron. Not counted in ClinVar's aggregate classification.